The following is an entry in ClinVar:

ClinVar aggregate classification (germline): Uncertain significance (1 of 4 stars; one submission).

Conditions:
GJA3-related disorder. Also called: GJA3-related condition.

Submission:

PreventionGenetics, part of Exact Sciences
Classification: Uncertain significance for GJA3-related condition. Last evaluated: 2025-02-12. Review status: criteria provided, single submitter. Criteria: ACMG Guidelines, 2015. Collection method: clinical testing. Allele origin: germline.
Comment: The GJA3 c.781C>T variant is predicted to result in the amino acid substitution p.Pro261Ser. To our knowledge, this variant has not been reported in the literature or in a large population database (gnomAD), indicating that it is rare. At this time, the clinical significance of this variant is uncertain due to the absence of conclusive functional and genetic evidence.

NM_021954.4(GJA3):c.781C>T (p.Pro261Ser)

Gene: GJA3 (gap junction protein alpha 3; minus strand). Cytogenetic location: 13q12.11.
Variant type: single nucleotide variant.
Coding change: c.781C>T on transcript NM_021954.4 (MANE Select); coding-DNA position 781, C replaced by T.
Protein change: p.Pro261Ser; replaces proline 261 with serine.
Molecular consequence: missense variant.
Genome position (GRCh38, 1-based): chr13:20,142,508, G>A on the plus strand (C>T on the coding strand, the complement: GJA3 is on the minus strand). VCF-style: chr13-20142508-G-A. GRCh37 (hg19) VCF-style: chr13-20716647-G-A.
Other names: short protein forms P261S.
Identifiers: ClinVar variation 4988404 (VCV004988404.1).